The following is an entry in ClinVar:

NM_001792.5(CDH2):c.2210-3T>A

Gene: CDH2 (cadherin 2; minus strand). Cytogenetic location: 18q12.1.
Variant type: single nucleotide variant.
Coding change: c.2210-3T>A on transcript NM_001792.5 (MANE Select); 3 bases into the intron before coding-DNA position 2210, T replaced by A.
Molecular consequence: intron variant.
Genome position (GRCh38, 1-based): chr18:27,983,086, A>T on the plus strand (T>A on the coding strand, the complement: CDH2 is on the minus strand). VCF-style: chr18-27983086-A-T. GRCh37 (hg19) VCF-style: chr18-25563050-A-T.
Other names: c.2117-3T>A (NM_001308176.2).
Identifiers: ClinVar variation 3702416 (VCV003702416.2).

ClinVar aggregate classification (germline): Uncertain significance (1 of 4 stars; one submission).

Submission:

Labcorp Genetics (formerly Invitae), Labcorp
Classification: Uncertain significance. Last evaluated: 2024-04-30. Review status: criteria provided, single submitter. Criteria: Invitae Variant Classification Sherloc (09022015). Collection method: clinical testing. Allele origin: germline.
Comment: This sequence change falls in intron 13 of the CDH2 gene. It does not directly change the encoded amino acid sequence of the CDH2 protein. It affects a nucleotide within the consensus splice site. This variant is not present in population databases (gnomAD no frequency). This variant has not been reported in the literature in individuals affected with CDH2-related conditions. Variants that disrupt the consensus splice site are a relatively common cause of aberrant splicing (PMID: 17576681, 9536098). Algorithms developed to predict the effect of sequence changes on RNA splicing suggest that this variant is not likely to affect RNA splicing. In summary, the available evidence is currently insufficient to determine the role of this variant in disease. Therefore, it has been classified as a Variant of Uncertain Significance.

Literature cited by the submitters: PubMed 17576681; PubMed 9536098.